The following is an entry in ClinVar:

NM_182914.3(SYNE2):c.17557-3C>T

Gene: SYNE2 (spectrin repeat containing nuclear envelope protein 2; plus strand). Cytogenetic location: 14q23.2.
Variant type: single nucleotide variant.
Coding change: c.17557-3C>T on transcript NM_182914.3 (MANE Select); 3 bases into the intron before coding-DNA position 17557, C replaced by T.
Molecular consequence: intron variant.
Genome position (GRCh38, 1-based): chr14:64,186,421, C>T. VCF-style: chr14-64186421-C-T. GRCh37 (hg19) VCF-style: chr14-64653139-C-T.
Other names: c.17557-3C>T (NM_015180.6).
Identifiers: ClinVar variation 1497449 (VCV001497449.6), dbSNP rs950834812, ClinGen allele CA261845025.

ClinVar aggregate classification (germline): Uncertain significance (1 of 4 stars; one submission).

Conditions:
Emery-Dreifuss muscular dystrophy 5, autosomal dominant (EDMD5). Also called: EMERY-DREIFUSS MUSCULAR DYSTROPHY 5. Identifiers: Orphanet 261, MedGen C2751805, MONDO:0013072, OMIM 612999.

Allele frequency attached by ClinVar (database versions not stated): gnomAD 0.00001; gnomAD exomes 0.00001; TOPMed 0.00003.
gnomAD v4.1: 5 of 1,614,028 alleles (0.00031%); highest among the groups gnomAD compares: African/African-American, 0.0067%; no homozygotes.

Submission:

Labcorp Genetics (formerly Invitae), Labcorp
Classification: Uncertain significance for Emery-Dreifuss muscular dystrophy 5, autosomal dominant. Last evaluated: 2024-07-22. Review status: criteria provided, single submitter. Criteria: Invitae Variant Classification Sherloc (09022015). Collection method: clinical testing. Allele origin: germline.
Comment: This sequence change falls in intron 96 of the SYNE2 gene. It does not directly change the encoded amino acid sequence of the SYNE2 protein. It affects a nucleotide within the consensus splice site. This variant is present in population databases (no rsID available, gnomAD 0.01%). This variant has not been reported in the literature in individuals affected with SYNE2-related conditions. ClinVar contains an entry for this variant (Variation ID: 1497449). Variants that disrupt the consensus splice site are a relatively common cause of aberrant splicing (PMID: 17576681, 9536098). Algorithms developed to predict the effect of sequence changes on RNA splicing suggest that this variant is not likely to affect RNA splicing. In summary, the available evidence is currently insufficient to determine the role of this variant in disease. Therefore, it has been classified as a Variant of Uncertain Significance.

Literature cited by the submitters: PubMed 17576681; PubMed 9536098.